The following is an entry in ClinVar:

NM_001184900.3(CARD8):c.379G>C (p.Gly127Arg)

Gene: CARD8 (caspase recruitment domain family member 8; minus strand). Cytogenetic location: 19q13.33.
Variant type: single nucleotide variant.
Coding change: c.379G>C on transcript NM_001184900.3 (MANE Select); coding-DNA position 379, G replaced by C.
Protein change: p.Gly127Arg; replaces glycine 127 with arginine.
Molecular consequence: missense variant. On other transcripts: intron variant (6).
Genome position (GRCh38, 1-based): chr19:48,232,465, C>G on the plus strand (G>C on the coding strand, the complement: CARD8 is on the minus strand). VCF-style: chr19-48232465-C-G. GRCh37 (hg19) VCF-style: chr19-48735722-C-G.
Other names: c.229G>C, p.Gly77Arg (NM_001184901.1, NM_001351783.2, NM_001351788.2 and 2 more transcripts); c.379G>C, p.Gly127Arg (NM_001184902.2, NM_001184903.1, NM_001351782.2); c.43G>C, p.Gly15Arg (NM_001351786.2); c.77-655G>C (NM_001351787.2, NM_001351791.2, NM_001351792.2 and 2 more transcripts); c.149-655G>C (NM_001351790.2); short protein forms G127R, G15R, G77R.
Identifiers: ClinVar variation 2066153 (VCV002066153.4), dbSNP rs1056236025, ClinGen allele CA309291098.

ClinVar aggregate classification (germline): Uncertain significance (1 of 4 stars; one submission).

gnomAD v4.1: 82 of 1,535,784 alleles (0.0053%); highest among the groups gnomAD compares: Non-Finnish European, 0.0068%; no homozygotes.

Submission:

Labcorp Genetics (formerly Invitae), Labcorp
Classification: Uncertain significance. Last evaluated: 2025-10-03. Review status: criteria provided, single submitter. Criteria: Invitae Variant Classification Sherloc (09022015). Collection method: clinical testing. Allele origin: germline.
Comment: This sequence change replaces glycine, which is neutral and non-polar, with arginine, which is basic and polar, at codon 77 of the CARD8 protein (p.Gly77Arg). This variant is present in population databases (no rsID available, gnomAD 0.007%). This variant has not been reported in the literature in individuals affected with CARD8-related conditions. ClinVar contains an entry for this variant (Variation ID: 2066153). An algorithm developed to predict the effect of missense changes on protein structure and function outputs the following: PolyPhen-2: "Benign". The arginine amino acid residue is found in multiple mammalian species, which suggests that this missense change does not adversely affect protein function. In summary, the available evidence is currently insufficient to determine the role of this variant in disease. Therefore, it has been classified as a Variant of Uncertain Significance.